The following is an entry in ClinVar:

ClinVar aggregate classification (germline): Uncertain significance (1 of 4 stars; one submission).

Conditions:
Inborn genetic diseases. Identifiers: MedGen C0950123, MeSH D030342.

Submission:

Ambry Genetics
Classification: Uncertain significance for Inborn genetic diseases. Last evaluated: 2025-03-02. Review status: criteria provided, single submitter. Criteria: Ambry Variant Classification Scheme 2023. Collection method: clinical testing. Allele origin: germline.
Comment: The p.P262S variant (also known as c.784C>T), located in coding exon 7 of the FANCG gene, results from a C to T substitution at nucleotide position 784. The proline at codon 262 is replaced by serine, an amino acid with similar properties. This amino acid position is conserved. In addition, the in silico prediction for this alteration is inconclusive. Based on the available evidence, the clinical significance of this variant remains unclear.

NM_004629.2(FANCG):c.784C>T (p.Pro262Ser)

Gene: FANCG (FA complementation group G; minus strand). Cytogenetic location: 9p13.3.
Variant type: single nucleotide variant.
Coding change: c.784C>T on transcript NM_004629.2 (MANE Select); coding-DNA position 784, C replaced by T.
Protein change: p.Pro262Ser; replaces proline 262 with serine.
Molecular consequence: missense variant.
Genome position (GRCh38, 1-based): chr9:35,076,864, G>A on the plus strand (C>T on the coding strand, the complement: FANCG is on the minus strand). VCF-style: chr9-35076864-G-A. GRCh37 (hg19) VCF-style: chr9-35076861-G-A.
Other names: short protein forms P262S.
Identifiers: ClinVar variation 3848457 (VCV003848457.1).